The following is an entry in ClinVar:

NM_001378743.1(CYLD):c.635T>C (p.Leu212Ser)

Gene: CYLD (CYLD lysine 63 deubiquitinase; plus strand). Cytogenetic location: 16q12.1.
Variant type: single nucleotide variant.
Coding change: c.635T>C on transcript NM_001378743.1 (MANE Select); coding-DNA position 635, T replaced by C.
Protein change: p.Leu212Ser; replaces leucine 212 with serine.
Molecular consequence: missense variant. On other transcripts: 5 prime UTR variant (2), non-coding transcript variant (1).
Genome position (GRCh38, 1-based): chr16:50,751,734, T>C. VCF-style: chr16-50751734-T-C. GRCh37 (hg19) VCF-style: chr16-50785645-T-C.
Other names: c.635T>C, p.Leu212Ser (NM_001042355.2, NM_001042412.3, NM_001378744.1 and 10 more transcripts); c.-32T>C (NM_001378754.1, NM_001378755.1); short protein forms L212S.
Identifiers: ClinVar variation 2428841 (VCV002428841.4), dbSNP rs375434282, ClinGen allele CA8052220.
Genomic context (GRCh38, chr16:50,751,734, plus strand): 5'-ATTGTGGCGTGTTTGTTGCATTGGACAAGCTAGAACTCATAGAAGATGATGACACTGCAT[T>C]GGAAAGTGATTACGCAGGTCCTGGGGACACAATGCAGGTCGAACTTCCTCCTTTGGAAAT-3'
Protein context (NP_001365672.1, residues 202-222): LELIEDDDTA[Leu212Ser]ESDYAGPGDT

ClinVar aggregate classification (germline): Uncertain significance. Review status: criteria provided, multiple submitters, no conflicts (2 of 4 stars). 2 submissions from 2 submitters: Uncertain significance (2). Last evaluated 2023-09-27.

Conditions:
Frontotemporal dementia and/or amyotrophic lateral sclerosis 8. Identifiers: MedGen C5436881, MONDO:0030872, OMIM 619132.

Allele frequency attached by ClinVar (database versions not stated): ExAC 0.00001; gnomAD exomes 0.00002; TOPMed 0.00003; ESP Exome Variant Server 0.00008.
gnomAD v4.1: 26 of 1,613,784 alleles (0.0016%); highest among the groups gnomAD compares: Non-Finnish European, 0.0022%; no homozygotes.

Submissions (2):

Baylor Genetics
Classification: Uncertain significance for Frontotemporal dementia and/or amyotrophic lateral sclerosis 8. Last evaluated: 2023-09-27. Review status: criteria provided, single submitter. Criteria: ACMG Guidelines, 2015. Collection method: clinical testing. Allele origin: unknown.

GeneDx
Classification: Uncertain significance. Last evaluated: 2022-08-04. Review status: criteria provided, single submitter. Criteria: GeneDx Variant Classification Process June 2021. Collection method: clinical testing. Allele origin: germline. Affected: yes.
Comment: Not observed in cases of autism or obsessive compulsive disorder, but was seen in the unaffected controls in published literature (Satterstrom et al., 2020; Cappi et al., 2020); Not observed at significant frequency in large population cohorts (gnomAD); In silico analysis supports that this missense variant does not alter protein structure/function; This variant is associated with the following publications: (PMID: 31771860, 31981491)